The following is an entry in ClinVar:

ClinVar aggregate classification (germline): Uncertain significance. Review status: criteria provided, multiple submitters, no conflicts (2 of 4 stars). 5 submissions from 5 submitters: Uncertain significance (5). Last evaluated 2026-02-12.

Conditions:
Asphyxiating thoracic dystrophy 4 (SRTD4). Also called: SHORT-RIB THORACIC DYSPLASIA 4 WITH OR WITHOUT POLYDACTYLY; SHORT-RIB THORACIC DYSPLASIA 4. Identifiers: Orphanet 474, MedGen C3151185, MONDO:0013441, OMIM 613819.
Nephronophthisis 12 (NPHP12). Identifiers: Orphanet 655, MedGen C3151186, MONDO:0013442, OMIM 613820.
Jeune thoracic dystrophy. Also called: Jeune syndrome; Infantile thoracic dystrophy; Thoracic pelvic phalangeal dystrophy; Jeune's syndrome; Chondroectodermal dysplasia-like syndrome; Short-rib thoracic dysplasia. Identifiers: Orphanet 474, MedGen C0265275, MONDO:0018770.
Nephronophthisis. Also called: Juvenile Nephronophthisis. Identifiers: Orphanet 655, MedGen C0687120, MONDO:0019005, HP:0000090.
TTC21B-related disorder. Also called: TTC21B-related disorders; TTC21B-related condition.

Allele frequency attached by ClinVar (database versions not stated): gnomAD 0.00001 and 0.00002; TOPMed 0.00001; gnomAD exomes 0.00002.
gnomAD v4.1: 31 of 1,613,500 alleles (0.0019%); highest among the groups gnomAD compares: African/African-American, 0.0067%; no homozygotes.

Submissions (5):

PreventionGenetics, part of Exact Sciences
Classification: Uncertain significance for TTC21B-related condition. Last evaluated: 2026-02-12. Review status: criteria provided, single submitter. Criteria: ACMG Guidelines, 2015. Collection method: clinical testing. Allele origin: germline.
Comment: The TTC21B c.866A>G variant is predicted to result in the amino acid substitution p.Tyr289Cys. To our knowledge, this variant has not been reported in the literature or in a large population database (gnomAD), indicating this variant is rare. At this time, the clinical significance of this variant is uncertain due to the absence of conclusive functional and genetic evidence.

Labcorp Genetics (formerly Invitae), Labcorp
Classification: Uncertain significance for Jeune thoracic dystrophy; Nephronophthisis. Last evaluated: 2025-08-11. Review status: criteria provided, single submitter. Criteria: Invitae Variant Classification Sherloc (09022015). Collection method: clinical testing. Allele origin: germline.
Comment: This sequence change replaces tyrosine, which is neutral and polar, with cysteine, which is neutral and slightly polar, at codon 289 of the TTC21B protein (p.Tyr289Cys). This variant is not present in population databases (gnomAD no frequency). This variant has not been reported in the literature in individuals affected with TTC21B-related conditions. ClinVar contains an entry for this variant (Variation ID: 943696). Invitae Evidence Modeling of protein sequence and biophysical properties (such as structural, functional, and spatial information, amino acid conservation, physicochemical variation, residue mobility, and thermodynamic stability) indicates that this missense variant is not expected to disrupt TTC21B protein function with a negative predictive value of 95%. In summary, the available evidence is currently insufficient to determine the role of this variant in disease. Therefore, it has been classified as a Variant of Uncertain Significance.

GeneDx
Classification: Uncertain significance. Last evaluated: 2023-05-12. Review status: criteria provided, single submitter. Criteria: GeneDx Variant Classification Process June 2021. Collection method: clinical testing. Allele origin: germline. Affected: yes.
Comment: Not observed at significant frequency in large population cohorts (gnomAD); In silico analysis supports that this missense variant does not alter protein structure/function; Has not been previously published as pathogenic or benign to our knowledge

Blueprint Genetics
Classification: Uncertain significance. Last evaluated: 2022-05-20. Review status: criteria provided, single submitter. Criteria: ACMG Guidelines, 2015. Collection method: clinical testing. Allele origin: germline.

Fulgent Genetics
Classification: Uncertain significance for Asphyxiating thoracic dystrophy 4; Nephronophthisis 12. Last evaluated: 2022-01-02. Review status: criteria provided, single submitter. Criteria: ACMG Guidelines, 2015. Collection method: clinical testing. Allele origin: unknown.

NM_024753.5(TTC21B):c.866A>G (p.Tyr289Cys)

Gene: TTC21B (tetratricopeptide repeat domain 21B; minus strand). Cytogenetic location: 2q24.3.
Variant type: single nucleotide variant.
Coding change: c.866A>G on transcript NM_024753.5 (MANE Select); coding-DNA position 866, A replaced by G.
Protein change: p.Tyr289Cys; replaces tyrosine 289 with cysteine.
Molecular consequence: missense variant.
Genome position (GRCh38, 1-based): chr2:165,931,786, T>C on the plus strand (A>G on the coding strand, the complement: TTC21B is on the minus strand). VCF-style: chr2-165931786-T-C. GRCh37 (hg19) VCF-style: chr2-166788296-T-C.
Other names: short protein forms Y289C.
Identifiers: ClinVar variation 943696 (VCV000943696.13), dbSNP rs1372232699, ClinGen allele CA349048726.